The following is an entry in ClinVar:

NC_000003.12:g.(?_120647857)_(120647931_?)del

Gene: HGD (homogentisate 1,2-dioxygenase; minus strand). Cytogenetic location: 3q13.33.
Variant type: Deletion.
Identifiers: ClinVar variation 830678 (VCV000830678.8).

ClinVar aggregate classification (germline): Pathogenic (1 of 4 stars; one submission).

Conditions:
Alkaptonuria (AKU). Also called: Homogentisic acidura; HOMOGENTISIC ACID OXIDASE DEFICIENCY; Alkaptonuric ochronosis; Alcaptonuria. Identifiers: Orphanet 56, MedGen C0002066, MONDO:0008753, OMIM 203500.

Submission:

Labcorp Genetics (formerly Invitae), Labcorp
Classification: Pathogenic for Alkaptonuria. Last evaluated: 2023-06-23. Review status: criteria provided, single submitter. Criteria: Invitae Variant Classification Sherloc (09022015). Collection method: clinical testing. Allele origin: germline.
Comment: This variant is a gross deletion of the genomic region encompassing exon(s) 7 of the HGD gene. This deletion is out-of-frame, and is expected to create a premature termination codon and result in an absent or disrupted protein product. Loss-of-function variants in HGD are known to be pathogenic (PMID: 12501223, 19862842). For these reasons, this variant has been classified as Pathogenic. A similar copy number variant has been observed in individual(s) with HGD-related conditions (Invitae).

Literature cited by the submitters: PubMed 12501223; PubMed 19862842.